The following is an entry in ClinVar:

ClinVar aggregate classification (germline): Uncertain significance (1 of 4 stars; one submission).

Submission:

Labcorp Genetics (formerly Invitae), Labcorp
Classification: Uncertain significance. Last evaluated: 2022-10-24. Review status: criteria provided, single submitter. Criteria: Invitae Variant Classification Sherloc (09022015). Collection method: clinical testing. Allele origin: germline.
Comment: In summary, the available evidence is currently insufficient to determine the role of this variant in disease. Therefore, it has been classified as a Variant of Uncertain Significance. Experimental studies and prediction algorithms are not available or were not evaluated, and the functional significance of this variant is currently unknown. This variant has not been reported in the literature in individuals affected with ALOX12B-related conditions. This variant is a gross deletion of the genomic region encompassing exon(s) 13-15 of the ALOX12B gene, which includes the termination codon. This deletion extends beyond the assayed region for this gene and therefore may encompass additional genes. While this deletion is not anticipated to lead to nonsense mediated decay, it is expected to alter mRNA translation or result in a truncated protein product.

NC_000017.10:g.(?_7976089)_(7977095_?)del

Gene: ALOX12B (arachidonate 12-lipoxygenase, 12R type; minus strand). Cytogenetic location: 17p13.1.
Variant type: Deletion.
Identifiers: ClinVar variation 2423822 (VCV002423822.4).